The following is an entry in ClinVar:

ClinVar aggregate classification (germline): Pathogenic. Review status: criteria provided, multiple submitters, no conflicts (2 of 4 stars). 4 submissions from 4 submitters: Pathogenic (4). Last evaluated 2025-11-06.

Conditions:
DSP-related disorder. Also called: DSP-related condition; DSP-related disorders.
Cardiovascular phenotype. Identifiers: MedGen CN230736.
Familial isolated arrhythmogenic right ventricular dysplasia. Identifiers: Orphanet 217656, MedGen C4274968, MONDO:0016342.
Arrhythmogenic right ventricular dysplasia 8 (ARVD8). Also called: ARRHYTHMOGENIC RIGHT VENTRICULAR DYSPLASIA, FAMILIAL, 8; Arrhythmogenic Right Ventricular Dysplasia/Cardiomyopathy 8; ARRHYTHMOGENIC RIGHT VENTRICULAR CARDIOMYOPATHY 8. Identifiers: MedGen C1843896, MONDO:0011831, OMIM 607450.
Arrhythmogenic cardiomyopathy with wooly hair and keratoderma. Also called: Arrhythmogenic cardiomyopathy with woolly hair and keratoderma; Carvajal syndrome; Dilated cardiomyopathy with woolly hair and keratoderma; PALMOPLANTAR KERATODERMA WITH LEFT VENTRICULAR CARDIOMYOPATHY AND WOOLLY HAIR. Identifiers: Orphanet 65282, MedGen C1854063, MONDO:0011581, OMIM 605676.

gnomAD v4.1: 1 of 1,614,112 alleles (0.000062%); highest among the groups gnomAD compares: Non-Finnish European, 0.000085%; no homozygotes.

Submissions (4):

Labcorp Genetics (formerly Invitae), Labcorp
Classification: Pathogenic for Arrhythmogenic cardiomyopathy with wooly hair and keratoderma; Arrhythmogenic right ventricular dysplasia 8. Last evaluated: 2025-11-06. Review status: criteria provided, single submitter. Criteria: Invitae Variant Classification Sherloc (09022015). Collection method: clinical testing. Allele origin: germline.
Comment: This sequence change creates a premature translational stop signal (p.Tyr1065*) in the DSP gene. It is expected to result in an absent or disrupted protein product. Loss-of-function variants in DSP are known to be pathogenic (PMID: 20716751, 24503780, 25227139, 30398466). This variant is not present in population databases (gnomAD no frequency). This premature translational stop signal has been observed in individual(s) with arrhythmogenic right ventricular cardiomyopathy (PMID: 27532257). ClinVar contains an entry for this variant (Variation ID: 264512). For these reasons, this variant has been classified as Pathogenic.

Ambry Genetics
Classification: Pathogenic for Cardiovascular phenotype. Last evaluated: 2025-07-10. Review status: criteria provided, single submitter. Criteria: Ambry Variant Classification Scheme 2023. Collection method: clinical testing. Allele origin: germline.
Comment: The p.Y1065* pathogenic mutation (also known as c.3195C>G), located in coding exon 23 of the DSP gene, results from a C to G substitution at nucleotide position 3195. This changes the amino acid from a tyrosine to a stop codon within coding exon 23. This variant is considered to be rare based on population cohorts in the Genome Aggregation Database (gnomAD). This alteration is expected to result in loss of function by premature protein truncation or nonsense-mediated mRNA decay. As such, this alteration is interpreted as a disease-causing mutation.

Blueprint Genetics
Classification: Pathogenic for DSP-related disorders. Last evaluated: 2024-10-28. Review status: criteria provided, single submitter. Criteria: ACMG Guidelines, 2015. Collection method: clinical testing. Allele origin: germline. Affected: yes. Observed: 5 variant alleles.

Women's Health and Genetics/Laboratory Corporation of America, LabCorp
Classification: Pathogenic for Familial isolated arrhythmogenic right ventricular dysplasia. Last evaluated: 2022-05-09. Review status: criteria provided, single submitter. Criteria: LabCorp Variant Classification Summary - May 2015. Collection method: clinical testing. Allele origin: germline.
Comment: Variant summary: DSP c.3195C>G (p.Tyr1065X) results in a premature termination codon, predicted to cause a truncation of the encoded protein or absence of the protein due to nonsense mediated decay, which are commonly known mechanisms for disease. Truncations downstream of this position have been classified as pathogenic by our laboratory. The variant was absent in 251006 control chromosomes. c.3195C>G has been reported in the literature in individuals affected with Arrhythmogenic Right Ventricular Dysplasia/Cardiomyopathy. These data indicate that the variant may be associated with disease. To our knowledge, no experimental evidence demonstrating an impact on protein function has been reported. Two clinical diagnostic laboratories have submitted clinical-significance assessments for this variant to ClinVar after 2014 without evidence for independent evaluation. Both laboratories classified the variant as pathogenic. Based on the evidence outlined above, the variant was classified as pathogenic.

Literature cited by the submitters: PubMed 20716751 (cited by Labcorp Genetics (formerly Invitae), Labcorp); PubMed 24503780 (cited by Labcorp Genetics (formerly Invitae), Labcorp); PubMed 25227139 (cited by Labcorp Genetics (formerly Invitae), Labcorp); PubMed 30398466 (cited by Labcorp Genetics (formerly Invitae), Labcorp); PubMed 27532257 (cited by Labcorp Genetics (formerly Invitae), Labcorp and Women's Health and Genetics/Laboratory Corporation of America, LabCorp); PubMed 32372669 (cited by Women's Health and Genetics/Laboratory Corporation of America, LabCorp).

NM_004415.4(DSP):c.3195C>G (p.Tyr1065Ter)

Gene: DSP (desmoplakin; plus strand). Cytogenetic location: 6p24.3.
Variant type: single nucleotide variant.
Coding change: c.3195C>G on transcript NM_004415.4 (MANE Select); coding-DNA position 3195, C replaced by G.
Protein change: p.Tyr1065Ter; replaces tyrosine 1065 with a stop codon.
Molecular consequence: nonsense.
Genome position (GRCh38, 1-based): chr6:7,579,385, C>G. VCF-style: chr6-7579385-C-G. GRCh37 (hg19) VCF-style: chr6-7579618-C-G.
Other names: c.3195C>G (LRG_423t1); c.3195C>G, p.Tyr1065Ter (NM_001008844.3, NM_001319034.2); short protein forms Y1065*.
Identifiers: ClinVar variation 264512 (VCV000264512.14), dbSNP rs886039178, ClinGen allele CA10587633.